The following is an entry in ClinVar:

NM_000051.4(ATM):c.8174A>T (p.Asp2725Val)

Genes: C11orf65 (chromosome 11 open reading frame 65; minus strand), ATM (ATM serine/threonine kinase; plus strand). Cytogenetic location: 11q22.3.
Variant type: single nucleotide variant.
Coding change: c.8174A>T on transcript NM_000051.4 (MANE Select); coding-DNA position 8174, A replaced by T.
Protein change: p.Asp2725Val; replaces aspartic acid 2725 with valine.
Molecular consequence: missense variant. On other transcripts: intron variant (2).
Genome position (GRCh38, 1-based): chr11:108,335,867, A>T. VCF-style: chr11-108335867-A-T. GRCh37 (hg19) VCF-style: chr11-108206594-A-T.
Other names: c.8174A>T, p.Asp2725Val (NM_001351834.2); c.641-26796T>A (NM_001330368.2); c.695-575T>A (NM_001351110.2); short protein forms D2725V.
Identifiers: ClinVar variation 1043376 (VCV001043376.9), dbSNP rs1555128314, ClinGen allele CA11914696.

ClinVar aggregate classification (germline): Uncertain significance (1 of 4 stars; one submission).

Conditions:
Ataxia-telangiectasia syndrome (AT). Also called: Ataxia telangiectasia (A-T); ATAXIA-TELANGIECTASIA, COMPLEMENTATION GROUP A; ATAXIA-TELANGIECTASIA, FRESNO VARIANT; Ataxia-telangiectasia; Ataxia-telangiectasia, complementation group E; LOUIS-BAR SYNDROME. Identifiers: Orphanet 100, MedGen C0004135, MONDO:0008840, OMIM 208900.

Submission:

Labcorp Genetics (formerly Invitae), Labcorp
Classification: Uncertain significance for Ataxia-telangiectasia syndrome. Last evaluated: 2024-11-20. Review status: criteria provided, single submitter. Criteria: Invitae Variant Classification Sherloc (09022015). Collection method: clinical testing. Allele origin: germline.
Comment: This sequence change replaces aspartic acid, which is acidic and polar, with valine, which is neutral and non-polar, at codon 2725 of the ATM protein (p.Asp2725Val). This variant is not present in population databases (gnomAD no frequency). This missense change has been observed in individual(s) with breast and/or ovarian cancer (PMID: 29470806). ClinVar contains an entry for this variant (Variation ID: 1043376). Invitae Evidence Modeling of protein sequence and biophysical properties (such as structural, functional, and spatial information, amino acid conservation, physicochemical variation, residue mobility, and thermodynamic stability) indicates that this missense variant is expected to disrupt ATM protein function with a positive predictive value of 95%. In summary, the available evidence is currently insufficient to determine the role of this variant in disease. Therefore, it has been classified as a Variant of Uncertain Significance.

Literature cited by the submitters: PubMed 29470806.